The following is an entry in ClinVar:

NM_176812.5(CHMP4B):c.483+7A>G

Gene: CHMP4B (charged multivesicular body protein 4B; plus strand). Cytogenetic location: 20q11.22.
Variant type: single nucleotide variant.
Coding change: c.483+7A>G on transcript NM_176812.5 (MANE Select); 7 bases into the intron after coding-DNA position 483, A replaced by G.
Molecular consequence: intron variant.
Genome position (GRCh38, 1-based): chr20:33,851,073, A>G. VCF-style: chr20-33851073-A-G. GRCh37 (hg19) VCF-style: chr20-32438879-A-G.
Other names: c.483+7A>G (NM_176812.4).
Identifiers: ClinVar variation 3618332 (VCV003618332.3).

ClinVar aggregate classification (germline): Likely benign. Review status: criteria provided, multiple submitters, no conflicts (2 of 4 stars). 2 submissions from 2 submitters: Likely benign (2). Last evaluated 2025-01-15.

Conditions:
CHMP4B-related disorder. Also called: CHMP4B-related condition.
Cataract 31 multiple types (CTRCT31). Also called: CATARACT 31, POSTERIOR POLAR. Identifiers: Orphanet 91492, MedGen C1854311, MONDO:0011547, OMIM 605387.

gnomAD v4.1: 39 of 1,514,286 alleles (0.0026%); highest among the groups gnomAD compares: East Asian, 0.0068%; no homozygotes.

Submissions (2):

PreventionGenetics, part of Exact Sciences
Classification: Likely benign for CHMP4B-related condition. Last evaluated: 2025-01-15. Review status: criteria provided, single submitter. Criteria: ACMG Guidelines, 2015. Collection method: clinical testing. Allele origin: germline.
Comment: This variant is classified as likely benign based on ACMG/AMP sequence variant interpretation guidelines (Richards et al. 2015 PMID: 25741868, with internal and published modifications).

Labcorp Genetics (formerly Invitae), Labcorp
Classification: Likely benign for Cataract 31 multiple types. Last evaluated: 2024-11-12. Review status: criteria provided, single submitter. Criteria: Invitae Variant Classification Sherloc (09022015). Collection method: clinical testing. Allele origin: germline.